The following is an entry in ClinVar:

NM_018026.4(PACS1):c.1547G>A (p.Arg516Gln)

Gene: PACS1 (phosphofurin acidic cluster sorting protein 1; plus strand). Cytogenetic location: 11q13.2.
Variant type: single nucleotide variant.
Coding change: c.1547G>A on transcript NM_018026.4 (MANE Select); coding-DNA position 1547, G replaced by A.
Protein change: p.Arg516Gln; replaces arginine 516 with glutamine.
Molecular consequence: missense variant.
Genome position (GRCh38, 1-based): chr11:66,230,861, G>A. VCF-style: chr11-66230861-G-A. GRCh37 (hg19) VCF-style: chr11-65998332-G-A.
Other names: short protein forms R516Q.
Identifiers: ClinVar variation 3713722 (VCV003713722.2).
Genomic context (GRCh38, chr11:66,230,861, plus strand): 5'-GCAGCAAAGTGGAGGGGGTGCACACACCCCGGCAGAAGAGGAGCACGCCCCTGAAGGAGC[G>A]GCAGCTCTCCAAGCCCCTAAGTGAGAGGACCAACAGTTCCGACAGCGAGCGCTCCCCAGA-3'
Protein context (NP_060496.2, residues 506-526): RQKRSTPLKE[Arg516Gln]QLSKPLSERT

ClinVar aggregate classification (germline): Uncertain significance (1 of 4 stars; one submission).

Conditions:
Schuurs-Hoeijmakers syndrome. Also called: PACS1-Related Neurodevelopmental Disorder. Identifiers: Orphanet 329224, MedGen C3554343, MONDO:0014006, OMIM 615009.

Submission:

Labcorp Genetics (formerly Invitae), Labcorp
Classification: Uncertain significance for Schuurs-Hoeijmakers syndrome. Last evaluated: 2024-07-16. Review status: criteria provided, single submitter. Criteria: Invitae Variant Classification Sherloc (09022015). Collection method: clinical testing. Allele origin: germline.
Comment: This sequence change replaces arginine, which is basic and polar, with glutamine, which is neutral and polar, at codon 516 of the PACS1 protein (p.Arg516Gln). This variant is present in population databases (rs768067910, gnomAD 0.002%). This variant has not been reported in the literature in individuals affected with PACS1-related conditions. Advanced modeling of protein sequence and biophysical properties (such as structural, functional, and spatial information, amino acid conservation, physicochemical variation, residue mobility, and thermodynamic stability) performed at Invitae indicates that this missense variant is not expected to disrupt PACS1 protein function with a negative predictive value of 80%. In summary, the available evidence is currently insufficient to determine the role of this variant in disease. Therefore, it has been classified as a Variant of Uncertain Significance.